The following is an entry in ClinVar:

NM_000059.4(BRCA2):c.583T>A (p.Ser195Thr)

Gene: BRCA2 (BRCA2 DNA repair associated; plus strand). Cytogenetic location: 13q13.1.
Variant type: single nucleotide variant.
Coding change: c.583T>A on transcript NM_000059.4 (MANE Select); coding-DNA position 583, T replaced by A.
Protein change: p.Ser195Thr; replaces serine 195 with threonine.
Molecular consequence: missense variant. On other transcripts: non-coding transcript variant (1).
Genome position (GRCh38, 1-based): chr13:32,326,565, T>A. VCF-style: chr13-32326565-T-A. GRCh37 (hg19) VCF-style: chr13-32900702-T-A.
Other names: c.583T>A, p.Ser195Thr (NM_001406719.1, NM_001406720.1, NM_001406721.1 and 1 more transcripts); c.214T>A, p.Ser72Thr (NM_001406722.1); short protein forms S72T, S195T.
Identifiers: ClinVar variation 3636414 (VCV003636414.2).
Genomic context (GRCh38, chr13:32,326,565, plus strand): 5'-CAGACACCAAAACATATTTCTGAAAGTCTAGGAGCTGAGGTGGATCCTGATATGTCTTGG[T>A]CAAGTTCTTTAGCTACACCACCCACCCTTAGTTCTACTGTGCTCATAGGTAATAATAGCA-3'
Protein context (NP_000050.3, residues 185-205): GAEVDPDMSW[Ser195Thr]SSLATPPTLS

ClinVar aggregate classification (germline): Uncertain significance (1 of 4 stars; one submission).

Conditions:
Hereditary breast ovarian cancer syndrome. Also called: Hereditary breast and ovarian cancer syndrome; Hereditary breast and ovarian cancer syndrome (HBOC); BRCA1- and BRCA2-Associated Hereditary Breast and Ovarian Cancer; Hereditary breast and ovarian cancer; Breast and ovarian cancer; Hereditary breast and/or ovarian cancer syndrome. Identifiers: Orphanet 145, MedGen C0677776, MeSH D061325, MONDO:0003582. Disease mechanism: loss of function.

Submission:

Labcorp Genetics (formerly Invitae), Labcorp
Classification: Uncertain significance for Hereditary breast ovarian cancer syndrome. Last evaluated: 2024-05-29. Review status: criteria provided, single submitter. Criteria: Invitae Variant Classification Sherloc (09022015). Collection method: clinical testing. Allele origin: germline.
Comment: This sequence change replaces serine, which is neutral and polar, with threonine, which is neutral and polar, at codon 195 of the BRCA2 protein (p.Ser195Thr). This variant is not present in population databases (gnomAD no frequency). This variant has not been reported in the literature in individuals affected with BRCA2-related conditions. Advanced modeling of protein sequence and biophysical properties (such as structural, functional, and spatial information, amino acid conservation, physicochemical variation, residue mobility, and thermodynamic stability) performed at Invitae indicates that this missense variant is not expected to disrupt BRCA2 protein function with a negative predictive value of 95%. In summary, the available evidence is currently insufficient to determine the role of this variant in disease. Therefore, it has been classified as a Variant of Uncertain Significance.